The following is an entry in ClinVar:

ClinVar aggregate classification (germline): Uncertain significance (1 of 4 stars; one submission).

Allele frequency attached by ClinVar (database versions not stated): gnomAD exomes below 0.00001 and 0.00001; TOPMed 0.00002.
gnomAD v4.1: 15 of 1,613,954 alleles (0.00093%); highest among the groups gnomAD compares: East Asian, 0.02%; no homozygotes.

Submission:

Labcorp Genetics (formerly Invitae), Labcorp
Classification: Uncertain significance. Last evaluated: 2021-07-16. Review status: criteria provided, single submitter. Criteria: Invitae Variant Classification Sherloc (09022015). Collection method: clinical testing. Allele origin: germline.
Comment: In summary, the available evidence is currently insufficient to determine the role of this variant in disease. Therefore, it has been classified as a Variant of Uncertain Significance. Algorithms developed to predict the effect of missense changes on protein structure and function output the following: SIFT: "Not Available"; PolyPhen-2: "Benign"; Align-GVGD: "Not Available". The arginine amino acid residue is found in multiple mammalian species, suggesting that this missense change does not adversely affect protein function. These predictions have not been confirmed by published functional studies and their clinical significance is uncertain. This variant has not been reported in the literature in individuals with MYO18B-related conditions. This variant is not present in population databases (ExAC no frequency). This sequence change replaces lysine with arginine at codon 1577 of the MYO18B protein (p.Lys1577Arg). The lysine residue is moderately conserved and there is a small physicochemical difference between lysine and arginine.

NM_032608.7(MYO18B):c.4730A>G (p.Lys1577Arg)

Genes: MYO18B (myosin XVIIIB; plus strand), MYO18B-AS1 (MYO18B antisense RNA 1; minus strand). Cytogenetic location: 22q12.1.
Variant type: single nucleotide variant.
Coding change: c.4730A>G on transcript NM_032608.7 (MANE Select); coding-DNA position 4730, A replaced by G.
Protein change: p.Lys1577Arg; replaces lysine 1577 with arginine.
Molecular consequence: missense variant.
Genome position (GRCh38, 1-based): chr22:25,898,368, A>G. VCF-style: chr22-25898368-A-G. GRCh37 (hg19) VCF-style: chr22-26294335-A-G.
Other names: c.4733A>G, p.Lys1578Arg (NM_001318245.2); short protein forms K1578R, K1577R.
Identifiers: ClinVar variation 1395787 (VCV001395787.5), dbSNP rs1177575756, ClinGen allele CA411010751.